The following is an entry in ClinVar:

ClinVar aggregate classification (germline): Conflicting classifications of pathogenicity. Review status: criteria provided, conflicting classifications (1 of 4 stars). 3 submissions from 3 submitters: Uncertain significance (2); Likely benign (1). Last evaluated 2025-11-26.

Conditions:
Inborn genetic diseases. Identifiers: MedGen C0950123, MeSH D030342.
CREB3L1-related disorder. Also called: CREB3L1-related condition.

gnomAD v4.1: 58 of 1,579,360 alleles (0.0037%); highest among the groups gnomAD compares: Middle Eastern, 0.23%; no homozygotes.

Submissions (3):

Ambry Genetics
Classification: Uncertain significance for Inborn genetic diseases. Last evaluated: 2025-11-26. Review status: criteria provided, single submitter. Criteria: Ambry Variant Classification Scheme 2023. Collection method: clinical testing. Allele origin: germline.

PreventionGenetics, part of Exact Sciences
Classification: Likely benign for CREB3L1-related condition. Last evaluated: 2025-05-21. Review status: criteria provided, single submitter. Criteria: ACMG Guidelines, 2015. Collection method: clinical testing. Allele origin: germline.
Comment: This variant is classified as likely benign based on ACMG/AMP sequence variant interpretation guidelines (Richards et al. 2015 PMID: 25741868, with internal and published modifications).

Labcorp Genetics (formerly Invitae), Labcorp
Classification: Uncertain significance. Last evaluated: 2022-07-12. Review status: criteria provided, single submitter. Criteria: Invitae Variant Classification Sherloc (09022015). Collection method: clinical testing. Allele origin: germline.
Comment: This sequence change replaces proline, which is neutral and non-polar, with arginine, which is basic and polar, at codon 134 of the CREB3L1 protein (p.Pro134Arg). This variant is present in population databases (rs774972826, gnomAD 0.005%). This variant has not been reported in the literature in individuals affected with CREB3L1-related conditions. ClinVar contains an entry for this variant (Variation ID: 1440901). Algorithms developed to predict the effect of missense changes on protein structure and function are either unavailable or do not agree on the potential impact of this missense change (SIFT: "Deleterious"; PolyPhen-2: "Possibly Damaging"; Align-GVGD: "Class C0"). In summary, the available evidence is currently insufficient to determine the role of this variant in disease. Therefore, it has been classified as a Variant of Uncertain Significance.

NM_052854.4(CREB3L1):c.401C>G (p.Pro134Arg)

Gene: CREB3L1 (cAMP responsive element binding protein 3 like 1; plus strand). Cytogenetic location: 11p11.2.
Variant type: single nucleotide variant.
Coding change: c.401C>G on transcript NM_052854.4 (MANE Select); coding-DNA position 401, C replaced by G.
Protein change: p.Pro134Arg; replaces proline 134 with arginine.
Molecular consequence: missense variant.
Genome position (GRCh38, 1-based): chr11:46,307,885, C>G. VCF-style: chr11-46307885-C-G. GRCh37 (hg19) VCF-style: chr11-46329436-C-G.
Other names: c.401C>G (NM_052854.2, NM_052854.3); short protein forms P134R.
Identifiers: ClinVar variation 1440901 (VCV001440901.8), dbSNP rs774972826, ClinGen allele CA5961564.
Genomic context (GRCh38, chr11:46,307,885, plus strand): 5'-ATGGAGCATGGGCGCTGGGACACAAACTGTGCTCCATCATGGTGAAGCAGGAGCAGAGCC[C>G]GGAGCTGCCCGTGGACCCTCTGGCTGCCCCCTCGGCCATGGCTGCCGCGGCCGCCATGGC-3'
Protein context (NP_443086.1, residues 124-144): CSIMVKQEQS[Pro134Arg]ELPVDPLAAP